The following is an entry in ClinVar:

NM_004655.4(AXIN2):c.2236G>A (p.Asp746Asn)

Gene: AXIN2 (axin 2; minus strand). Cytogenetic location: 17q24.1.
Variant type: single nucleotide variant.
Coding change: c.2236G>A on transcript NM_004655.4 (MANE Select); coding-DNA position 2236, G replaced by A.
Protein change: p.Asp746Asn; replaces aspartic acid 746 with asparagine.
Molecular consequence: missense variant.
Genome position (GRCh38, 1-based): chr17:65,535,627, C>T on the plus strand (G>A on the coding strand, the complement: AXIN2 is on the minus strand). VCF-style: chr17-65535627-C-T. GRCh37 (hg19) VCF-style: chr17-63531745-C-T.
Other names: c.2041G>A, p.Asp681Asn (NM_001363813.1); short protein forms D681N, D746N.
Identifiers: ClinVar variation 5032510 (VCV005032510.1).

ClinVar aggregate classification (germline): Uncertain significance (1 of 4 stars; one submission).

Conditions:
Hereditary cancer-predisposing syndrome. Also called: Neoplastic Syndromes, Hereditary; Tumor predisposition; Hereditary neoplastic syndrome; Hereditary Cancer Syndrome. Identifiers: Orphanet 140162, MedGen C0027672, MeSH D009386, MONDO:0015356.

gnomAD v4.1: 1 of 1,614,068 alleles (0.000062%); highest among the groups gnomAD compares: East Asian, 0.0022%; no homozygotes.

Submission:

Ambry Genetics
Classification: Uncertain significance for Hereditary cancer-predisposing syndrome. Last evaluated: 2026-09-07. Review status: criteria provided, single submitter. Criteria: Ambry Variant Classification Scheme 2023. Collection method: clinical testing. Allele origin: germline.
Comment: The p.D746N variant (also known as c.2236G>A), located in coding exon 8 of the AXIN2 gene, results from a G to A substitution at nucleotide position 2236. The aspartic acid at codon 746 is replaced by asparagine, an amino acid with highly similar properties. This amino acid position is conserved. In addition, this alteration is predicted to be tolerated by in silico analysis. Based on the available evidence, the clinical significance of this variant remains unclear.